The following is an entry in ClinVar:

ClinVar aggregate classification (germline): Pathogenic (1 of 4 stars; one submission).

Conditions:
Tubulinopathy. Also called: Tubulinopathies. Identifiers: MedGen CN850169, MONDO:0100153.

Submission:

Institute of Human Genetics, FAU Erlangen, Friedrich-Alexander-Universität Erlangen-Nürnberg
Classification: Pathogenic for Tubulinopathies. Last evaluated: 2018-07-01. Review status: criteria provided, single submitter. Criteria: ACMG Guidelines, 2015. Collection method: literature only. Allele origin: germline. Affected: yes. Observed: 3 variant alleles.
Comment: The c.161G>A, p.(Ser54Asn) variant has been reported as a variant of germline origin. This variant and associated phenotype was previously reported by Romaniello et al. Eur Radiol, 2017 PMID: 28677066. HPO-standardized clinical features were: Hypoplasia of the corpus callosum (HP:0002079); Dysgenesis of the cerebellar vermis (HP:0002195); Congenital microcephaly (HP:0011451); Spasticity (HP:0001257); Strabismus (HP:0000486)

Literature cited by the submitters: PubMed 30744660; DOI 10.1101/427948.

NM_006009.4(TUBA1A):c.161G>A (p.Ser54Asn)

Gene: TUBA1A (tubulin alpha 1a; minus strand). Cytogenetic location: 12q13.12.
Variant type: single nucleotide variant.
Coding change: c.161G>A on transcript NM_006009.4 (MANE Select); coding-DNA position 161, G replaced by A.
Protein change: p.Ser54Asn; replaces serine 54 with asparagine.
Molecular consequence: missense variant.
Genome position (GRCh38, 1-based): chr12:49,186,676, C>T on the plus strand (G>A on the coding strand, the complement: TUBA1A is on the minus strand). VCF-style: chr12-49186676-C-T. GRCh37 (hg19) VCF-style: chr12-49580459-C-T.
Other names: c.161G>A, p.Ser54Asn (NM_001270399.2); c.56G>A, p.Ser19Asn (NM_001270400.2); short protein forms S54N, S19N.
Identifiers: ClinVar variation 625506 (VCV000625506.2), dbSNP rs1565627740, ClinGen allele CA384645031.
Genomic context (GRCh38, chr12:49,186,676, plus strand): 5'-ACTGTGGGTTCCAAGTCTACAAACACTGCCCGGGGCACATGCTTGCCAGCCCCCGTCTCA[C>T]TGAAGAAGGTGTTGAAGGAATCATCTCCTCCCCCAATGGTCTTGTCACTTGGCATCTGGC-3'
Protein context (NP_006000.2, residues 44-64): GGDDSFNTFF[Ser54Asn]ETGAGKHVPR